The following is an entry in ClinVar:

NM_147127.5(EVC2):c.328T>C (p.Phe110Leu)

Gene: EVC2 (EvC ciliary complex subunit 2; minus strand). Cytogenetic location: 4p16.2.
Variant type: single nucleotide variant.
Coding change: c.328T>C on transcript NM_147127.5 (MANE Select); coding-DNA position 328, T replaced by C.
Protein change: p.Phe110Leu; replaces phenylalanine 110 with leucine.
Molecular consequence: missense variant.
Genome position (GRCh38, 1-based): chr4:5,694,457, A>G on the plus strand (T>C on the coding strand, the complement: EVC2 is on the minus strand). VCF-style: chr4-5694457-A-G. GRCh37 (hg19) VCF-style: chr4-5696184-A-G.
Other names: c.88T>C, p.Phe30Leu (NM_001166136.2); short protein forms F30L, F110L.
Identifiers: ClinVar variation 771802 (VCV000771802.13), dbSNP rs150444745, ClinGen allele CA2835497.

ClinVar aggregate classification (germline): Conflicting classifications of pathogenicity. Review status: criteria provided, conflicting classifications (1 of 4 stars). 3 submissions from 3 submitters: Uncertain significance (1); Likely benign (1). 1 of the submissions does not count toward it. Last evaluated 2026-01-19.

Conditions:
EVC2-related disorder. Also called: EVC2-related condition.
Inborn genetic diseases. Identifiers: MedGen C0950123, MeSH D030342.
Ellis-van Creveld syndrome (EVC). Also called: EVC-Related Ellis-van Creveld Syndrome; EVC2-Related Ellis-van Creveld Syndrome; Chondroectodermal dysplasia; MESOECTODERMAL DYSPLASIA. Identifiers: Orphanet 289, MedGen C0013903, MONDO:0009162, OMIM 225500.
Curry-Hall syndrome (WAD). Also called: WEYERS ACRODENTAL DYSOSTOSIS. Identifiers: Orphanet 952, MedGen C0457013, MONDO:0008673, OMIM 193530.

Allele frequency attached by ClinVar (database versions not stated): gnomAD exomes 0.00016; ExAC 0.00019; ESP Exome Variant Server 0.00038; 1000 Genomes Project 0.00040; gnomAD 0.00061 and 0.00064; 1000 Genomes Project 30x 0.00062; TOPMed 0.00064.

Submissions (3):

Labcorp Genetics (formerly Invitae), Labcorp
Classification: Likely benign for Curry-Hall syndrome; Ellis-van Creveld syndrome. Last evaluated: 2026-01-19. Review status: criteria provided, single submitter. Criteria: Invitae Variant Classification Sherloc (09022015). Collection method: clinical testing. Allele origin: germline.

Ambry Genetics
Classification: Uncertain significance for Inborn genetic diseases. Last evaluated: 2024-11-10. Review status: criteria provided, single submitter. Criteria: Ambry Variant Classification Scheme 2023. Collection method: clinical testing. Allele origin: germline.

PreventionGenetics, part of Exact Sciences
Classification: Likely benign for EVC2-related condition. Last evaluated: 2024-07-02. Review status: no assertion criteria provided. Collection method: clinical testing. Allele origin: germline. Not counted in ClinVar's aggregate classification.
Comment: This variant is classified as likely benign based on ACMG/AMP sequence variant interpretation guidelines (Richards et al. 2015 PMID: 25741868, with internal and published modifications).